The following is an entry in ClinVar:

NM_001955.5(EDN1):c.188G>A (p.Cys63Tyr)

Gene: EDN1 (endothelin 1; plus strand). Cytogenetic location: 6p24.1.
Variant type: single nucleotide variant.
Coding change: c.188G>A on transcript NM_001955.5 (MANE Select); coding-DNA position 188, G replaced by A.
Protein change: p.Cys63Tyr; replaces cysteine 63 with tyrosine.
Molecular consequence: missense variant.
Genome position (GRCh38, 1-based): chr6:12,292,464, G>A. VCF-style: chr6-12292464-G-A. GRCh37 (hg19) VCF-style: chr6-12292697-G-A.
Other names: c.185G>A, p.Cys62Tyr (NM_001168319.2); short protein forms C63Y, C62Y.
Identifiers: ClinVar variation 424102 (VCV000424102.2), dbSNP rs1064796796, ClinGen allele CA16618236.

ClinVar aggregate classification (germline): Uncertain significance (1 of 4 stars; one submission).

Submission:

GeneDx
Classification: Uncertain significance. Last evaluated: 2017-03-15. Review status: criteria provided, single submitter. Criteria: GeneDx Variant Classification (06012015). Collection method: clinical testing. Allele origin: germline. Affected: yes.
Comment: The C63Y variant in the EDN1 gene has not been reported previously as a pathogenic variant, nor as a benign variant, to our knowledge. The C63Y variant is not observed in large population cohorts (Lek et al., 2016; 1000 Genomes Consortium et al., 2015; Exome Variant Server). The C63Y variant is a non-conservative amino acid substitution, which is likely to impact secondary protein structure as these residues differ in polarity, charge, size and/or other properties. This substitution occurs at a position that is conserved across species. In silico analysis predicts this variant is probably damaging to the protein structure/function. We interpret C63Y as a variant of uncertain significance.